The following is an entry in ClinVar:

NM_001042492.3(NF1):c.5159A>G (p.Glu1720Gly)

Gene: NF1 (neurofibromin 1; plus strand). Cytogenetic location: 17q11.2.
Variant type: single nucleotide variant.
Coding change: c.5159A>G on transcript NM_001042492.3 (MANE Select); coding-DNA position 5159, A replaced by G.
Protein change: p.Glu1720Gly; replaces glutamic acid 1720 with glycine.
Molecular consequence: missense variant.
Genome position (GRCh38, 1-based): chr17:31,326,143, A>G. VCF-style: chr17-31326143-A-G. GRCh37 (hg19) VCF-style: chr17-29653161-A-G.
Other names: c.5096A>G, p.Glu1699Gly (NM_000267.4); short protein forms E1699G, E1720G.
Identifiers: ClinVar variation 5025595 (VCV005025595.1).

ClinVar aggregate classification (germline): Uncertain significance (1 of 4 stars; one submission).

Conditions:
Cardiovascular phenotype. Identifiers: MedGen CN230736.
Hereditary cancer-predisposing syndrome. Also called: Neoplastic Syndromes, Hereditary; Tumor predisposition; Hereditary neoplastic syndrome; Hereditary Cancer Syndrome. Identifiers: Orphanet 140162, MedGen C0027672, MeSH D009386, MONDO:0015356.

gnomAD v4.1: 1 of 1,613,206 alleles (0.000062%); highest among the groups gnomAD compares: South Asian, 0.0011%; no homozygotes.

Submission:

Ambry Genetics
Classification: Uncertain significance for Cardiovascular phenotype; Hereditary cancer-predisposing syndrome. Last evaluated: 2026-07-30. Review status: criteria provided, single submitter. Criteria: Ambry Variant Classification Scheme 2023. Collection method: clinical testing. Allele origin: germline.
Comment: The p.E1699G variant (also known as c.5096A>G), located in coding exon 36 of the NF1 gene, results from an A to G substitution at nucleotide position 5096. The glutamic acid at codon 1699 is replaced by glycine, an amino acid with similar properties. This amino acid position is highly conserved in available vertebrate species. In addition, the in silico prediction for this alteration is inconclusive. Based on the available evidence, the clinical significance of this variant remains unclear.